The following is an entry in ClinVar:

NM_004336.5(BUB1):c.2395G>A (p.Ala799Thr)

Gene: BUB1 (BUB1 mitotic checkpoint serine/threonine kinase; minus strand). Cytogenetic location: 2q13.
Variant type: single nucleotide variant.
Coding change: c.2395G>A on transcript NM_004336.5 (MANE Select); coding-DNA position 2395, G replaced by A.
Protein change: p.Ala799Thr; replaces alanine 799 with threonine.
Molecular consequence: missense variant.
Genome position (GRCh38, 1-based): chr2:110,642,187, C>T on the plus strand (G>A on the coding strand, the complement: BUB1 is on the minus strand). VCF-style: chr2-110642187-C-T. GRCh37 (hg19) VCF-style: chr2-111399764-C-T.
Other names: c.2335G>A, p.Ala779Thr (NM_001278616.2); c.2395G>A, p.Ala799Thr (NM_001278617.2); short protein forms A799T, A779T.
Identifiers: ClinVar variation 432800 (VCV000432800.2), dbSNP rs940424193, ClinGen allele CA53522681.

ClinVar aggregate classification (germline): Uncertain significance (1 of 4 stars; one submission).

Submission:

GeneDx
Classification: Uncertain significance. Last evaluated: 2017-06-20. Review status: criteria provided, single submitter. Criteria: GeneDx Variant Classification (06012015). Collection method: clinical testing. Allele origin: germline. Affected: yes.
Comment: The A799T variant in the BUB1 gene has not been reported previously as a pathogenic variant, nor as a benign variant, to our knowledge. This variant is not observed in large population cohorts (Lek et al., 2016; 1000 Genomes Consortium et al., 2015; Exome Variant Server). The A799T variant is a non-conservative amino acid substitution, which is likely to impact secondary protein structure as these residues differ in polarity, charge, size and/or other properties. This substitution occurs at a position that is conserved across species, and in silico analysis predicts this variant is probably damaging to the protein structure/function. Based on currently available evidence, we interpret A799T as a variant of uncertain significance.